The following is an entry in ClinVar:

NM_001270508.2(TNFAIP3):c.407G>A (p.Arg136His)

Gene: TNFAIP3 (TNF alpha induced protein 3; plus strand). Cytogenetic location: 6q23.3.
Variant type: single nucleotide variant.
Coding change: c.407G>A on transcript NM_001270508.2 (MANE Select); coding-DNA position 407, G replaced by A.
Protein change: p.Arg136His; replaces arginine 136 with histidine.
Molecular consequence: missense variant.
Genome position (GRCh38, 1-based): chr6:137,874,956, G>A. VCF-style: chr6-137874956-G-A. GRCh37 (hg19) VCF-style: chr6-138196093-G-A.
Other names: c.407G>A, p.Arg136His (NM_001270507.2, NM_006290.4); short protein forms R136H.
Identifiers: ClinVar variation 2723316 (VCV002723316.4), dbSNP rs1405321250, ClinGen allele CA365782180.
Genomic context (GRCh38, chr6:137,874,956, plus strand): 5'-AGGACACAGACTTGGTACTGAGGAAGGCGCTGTTCAGCACGCTCAAGGAAACAGACACAC[G>A]CAACTTTAAATTCCGCTGGCAACTGGAGTCTCTCAAATCTCAGGAATTTGTTGAAACGGG-3'
Protein context (NP_001257437.1, residues 126-146): LFSTLKETDT[Arg136His]NFKFRWQLES

ClinVar aggregate classification (germline): Uncertain significance. Review status: criteria provided, multiple submitters, no conflicts (2 of 4 stars). 2 submissions from 2 submitters: Uncertain significance (2). Last evaluated 2026-01-05.

Allele frequency attached by ClinVar (database versions not stated): gnomAD exomes 0.00001; TOPMed 0.00002; gnomAD 0.00001.
gnomAD v4.1: 11 of 1,614,082 alleles (0.00068%); highest among the groups gnomAD compares: East Asian, 0.0022%; no homozygotes.

Submissions (2):

Labcorp Genetics (formerly Invitae), Labcorp
Classification: Uncertain significance. Last evaluated: 2026-01-05. Review status: criteria provided, single submitter. Criteria: Invitae Variant Classification Sherloc (09022015). Collection method: clinical testing. Allele origin: germline.
Comment: This sequence change replaces arginine, which is basic and polar, with histidine, which is basic and polar, at codon 136 of the TNFAIP3 protein (p.Arg136His). This variant is present in population databases (no rsID available, gnomAD 0.01%). This variant has not been reported in the literature in individuals affected with TNFAIP3-related conditions. ClinVar contains an entry for this variant (Variation ID: 2723316). Invitae Evidence Modeling of protein sequence and biophysical properties (such as structural, functional, and spatial information, amino acid conservation, physicochemical variation, residue mobility, and thermodynamic stability) indicates that this missense variant is not expected to disrupt TNFAIP3 protein function with a negative predictive value of 80%. In summary, the available evidence is currently insufficient to determine the role of this variant in disease. Therefore, it has been classified as a Variant of Uncertain Significance.

Women's Health and Genetics/Laboratory Corporation of America, LabCorp
Classification: Uncertain significance. Last evaluated: 2025-05-14. Review status: criteria provided, single submitter. Criteria: LabCorp Variant Classification Summary - May 2015. Collection method: clinical testing. Allele origin: germline.
Comment: Variant summary: TNFAIP3 c.407G>A (p.Arg136His) results in a non-conservative amino acid change in the encoded protein sequence. Algorithms developed to predict the effect of missense changes on protein structure and function are either unavailable or do not agree on the potential impact of this missense change. The variant was absent in 251488 control chromosomes. The available data on variant occurrences in the general population are insufficient to allow any conclusion about variant significance. To our knowledge, no occurrence of c.407G>A in individuals affected with Autoinflammatory syndrome, familial, Behcet-like 1 and no experimental evidence demonstrating its impact on protein function have been reported. ClinVar contains an entry for this variant (Variation ID: 2723316). Based on the evidence outlined above, the variant was classified as uncertain significance.